The following is an entry in ClinVar:

NM_001042492.3(NF1):c.7158T>C (p.Phe2386=)

Gene: NF1 (neurofibromin 1; plus strand). Cytogenetic location: 17q11.2.
Variant type: single nucleotide variant.
Coding change: c.7158T>C on transcript NM_001042492.3 (MANE Select); coding-DNA position 7158, T replaced by C.
Protein change: p.Phe2386=; no amino-acid change (phenylalanine 2386 retained).
Molecular consequence: synonymous variant.
Genome position (GRCh38, 1-based): chr17:31,343,104, T>C. VCF-style: chr17-31343104-T-C. GRCh37 (hg19) VCF-style: chr17-29670122-T-C.
Other names: c.7095T>C, p.Phe2365= (NM_000267.4).
Identifiers: ClinVar variation 233226 (VCV000233226.14), dbSNP rs876660271, ClinGen allele CA10580399.

ClinVar aggregate classification (germline): Benign/Likely benign. Review status: criteria provided, multiple submitters, no conflicts (2 of 4 stars). 5 submissions from 5 submitters: Benign (1); Likely benign (4). Last evaluated 2026-05-21.

Conditions:
Hereditary cancer-predisposing syndrome. Also called: Hereditary neoplastic syndrome; Neoplastic Syndromes, Hereditary; Hereditary Cancer Syndrome; Tumor predisposition. Identifiers: Orphanet 140162, MedGen C0027672, MeSH D009386, MONDO:0015356.
Neurofibromatosis, type 1 (NF1). Also called: NEUROFIBROMATOSIS, TYPE I, SOMATIC; Neurofibromatosis, type I; VON RECKLINGHAUSEN DISEASE; Peripheral type neurofibromatosis. Identifiers: Orphanet 636, MedGen C0027831, MONDO:0018975, OMIM 162200. Disease mechanism: loss of function.

Allele frequency attached by ClinVar (database versions not stated): gnomAD exomes below 0.00001.
gnomAD v4.1: 6 of 1,613,962 alleles (0.00037%); highest among the groups gnomAD compares: Non-Finnish European, 0.00051%; no homozygotes.

Submissions (5):

Myriad Genetics, Inc.
Classification: Benign for Neurofibromatosis, type 1. Last evaluated: 2026-05-21. Review status: criteria provided, single submitter. Criteria: Myriad Autosomal Dominant, Autosomal Recessive and X-Linked Classification Criteria (2023). Collection method: clinical testing. Allele origin: unknown.
Comment: This variant is considered benign. This variant is a silent/synonymous amino acid change and it is not expected to impact splicing.

Labcorp Genetics (formerly Invitae), Labcorp
Classification: Likely benign for Neurofibromatosis, type 1. Last evaluated: 2026-01-12. Review status: criteria provided, single submitter. Criteria: Invitae Variant Classification Sherloc (09022015). Collection method: clinical testing. Allele origin: germline.

Genome-Nilou Lab
Classification: Likely benign for Neurofibromatosis, type 1. Last evaluated: 2022-03-15. Review status: criteria provided, single submitter. Criteria: ACMG Guidelines, 2015. Collection method: clinical testing. Allele origin: germline. Affected: no.

GeneDx
Classification: Likely benign. Last evaluated: 2017-03-06. Review status: criteria provided, single submitter. Criteria: GeneDx Variant Classification (06012015). Collection method: clinical testing. Allele origin: germline. Affected: yes.
Comment: This variant is considered likely benign or benign based on one or more of the following criteria: it is a conservative change, it occurs at a poorly conserved position in the protein, it is predicted to be benign by multiple in silico algorithms, and/or has population frequency not consistent with disease.

Ambry Genetics
Classification: Likely benign for Hereditary cancer-predisposing syndrome. Last evaluated: 2015-07-30. Review status: criteria provided, single submitter. Criteria: Ambry Autosomal Dominant and X-Linked criteria (10/2015). Collection method: clinical testing. Allele origin: germline. Observed: 1 variant allele.